The following is an entry in ClinVar:

NM_001164508.2(NEB):c.18110A>G (p.Gln6037Arg)

Gene: NEB (nebulin; minus strand). Cytogenetic location: 2q23.3.
Variant type: single nucleotide variant.
Coding change: c.18110A>G on transcript NM_001164508.2 (MANE Select); coding-DNA position 18110, A replaced by G.
Protein change: p.Gln6037Arg; replaces glutamine 6037 with arginine.
Molecular consequence: missense variant.
Genome position (GRCh38, 1-based): chr2:151,567,214, T>C on the plus strand (A>G on the coding strand, the complement: NEB is on the minus strand). VCF-style: chr2-151567214-T-C. GRCh37 (hg19) VCF-style: chr2-152423728-T-C.
Other names: c.18110A>G, p.Gln6037Arg (NM_001164507.2, NM_001271208.2); c.13007A>G, p.Gln4336Arg (NM_004543.5); c.13007A>G (NM_004543.4); short protein forms Q4336R, Q6037R.
Identifiers: ClinVar variation 2048663 (VCV002048663.2), dbSNP rs1487527032, ClinGen allele CA348802948.

ClinVar aggregate classification (germline): Uncertain significance. Review status: criteria provided, multiple submitters, no conflicts (2 of 4 stars). 2 submissions from 2 submitters: Uncertain significance (2). Last evaluated 2024-08-04.

Conditions:
Inborn genetic diseases. Identifiers: MedGen C0950123, MeSH D030342.
Nemaline myopathy 2 (NEM2). Also called: Nemaline myopathy 2, autosomal recessive. Identifiers: MedGen C1850569, MONDO:0009725, OMIM 256030.

Allele frequency attached by ClinVar (database versions not stated): gnomAD 0.00001; TOPMed 0.00001; gnomAD exomes 0.00004.
gnomAD v4.1: 55 of 1,613,194 alleles (0.0034%); highest among the groups gnomAD compares: Non-Finnish European, 0.0047%; no homozygotes.

Submissions (2):

Ambry Genetics
Classification: Uncertain significance for Inborn genetic diseases. Last evaluated: 2024-08-04. Review status: criteria provided, single submitter. Criteria: Ambry Variant Classification Scheme 2023. Collection method: clinical testing. Allele origin: germline.

Labcorp Genetics (formerly Invitae), Labcorp
Classification: Uncertain significance for Nemaline myopathy 2. Last evaluated: 2021-09-01. Review status: criteria provided, single submitter. Criteria: Invitae Variant Classification Sherloc (09022015). Collection method: clinical testing. Allele origin: germline.
Comment: This sequence change replaces glutamine with arginine at codon 6037 of the NEB protein (p.Gln6037Arg). The glutamine residue is moderately conserved and there is a small physicochemical difference between glutamine and arginine. This variant is not present in population databases (ExAC no frequency). This variant has not been reported in the literature in individuals affected with NEB-related conditions. Algorithms developed to predict the effect of missense changes on protein structure and function are either unavailable or do not agree on the potential impact of this missense change (SIFT: "Deleterious"; PolyPhen-2: "Not Available"; Align-GVGD: "Class C0"). In summary, the available evidence is currently insufficient to determine the role of this variant in disease. Therefore, it has been classified as a Variant of Uncertain Significance.